The following is an entry in ClinVar:

NM_145698.5(ACBD5):c.628A>G (p.Lys210Glu)

Gene: ACBD5 (acyl-CoA binding domain containing 5; minus strand). Cytogenetic location: 10p12.1.
Variant type: single nucleotide variant.
Coding change: c.628A>G on transcript NM_145698.5 (MANE Select); coding-DNA position 628, A replaced by G.
Protein change: p.Lys210Glu; replaces lysine 210 with glutamic acid.
Molecular consequence: missense variant. On other transcripts: intron variant (6).
Genome position (GRCh38, 1-based): chr10:27,218,181, T>C on the plus strand (A>G on the coding strand, the complement: ACBD5 is on the minus strand). VCF-style: chr10-27218181-T-C. GRCh37 (hg19) VCF-style: chr10-27507110-T-C.
Other names: c.523A>G, p.Lys175Glu (NM_001042473.4, NM_001352577.2, NM_001352578.2 and 1 more transcripts); c.622A>G, p.Lys208Glu (NM_001271512.3); c.301A>G, p.Lys101Glu (NM_001301251.2, NM_001301252.2, NM_001301253.2 and 2 more transcripts); c.682A>G, p.Lys228Glu (NM_001352568.1); c.661A>G, p.Lys221Glu (NM_001352569.1); c.628A>G, p.Lys210Glu (NM_001352570.1); c.655A>G, p.Lys219Glu (NM_001352571.1); c.649A>G, p.Lys217Glu (NM_001352572.1); and 10 more; short protein forms K101E, K175E, K208E, K219E, K228E, K186E, K203E, K210E.
Identifiers: ClinVar variation 964605 (VCV000964605.7), dbSNP rs2061888889, ClinGen allele CA376375857.

ClinVar aggregate classification (germline): Uncertain significance (1 of 4 stars; one submission).

Allele frequency attached by ClinVar (database versions not stated): gnomAD exomes below 0.00001; TOPMed below 0.00001; gnomAD 0.00001.
gnomAD v4.1: 2 of 1,611,300 alleles (0.00012%); highest among the groups gnomAD compares: Admixed American, 0.0033%; no homozygotes.

Submission:

Labcorp Genetics (formerly Invitae), Labcorp
Classification: Uncertain significance. Last evaluated: 2022-07-11. Review status: criteria provided, single submitter. Criteria: Invitae Variant Classification Sherloc (09022015). Collection method: clinical testing. Allele origin: germline.
Comment: This variant has not been reported in the literature in individuals affected with ACBD5-related conditions. This variant is not present in population databases (gnomAD no frequency). This sequence change replaces lysine, which is basic and polar, with glutamic acid, which is acidic and polar, at codon 210 of the ACBD5 protein (p.Lys210Glu). ClinVar contains an entry for this variant (Variation ID: 964605). In summary, the available evidence is currently insufficient to determine the role of this variant in disease. Therefore, it has been classified as a Variant of Uncertain Significance. Algorithms developed to predict the effect of missense changes on protein structure and function (SIFT, PolyPhen-2, Align-GVGD) all suggest that this variant is likely to be tolerated.